The following is an entry in ClinVar:

ClinVar aggregate classification (germline): Benign (1 of 4 stars; one submission).

Allele frequency attached by ClinVar (database versions not stated): gnomAD 0.66281 and 0.66499; TOPMed 0.68321; 1000 Genomes Project 0.76138; 1000 Genomes Project 30x 0.76312.
gnomAD v4.1: 100,837 of 152,182 alleles (66%); highest among the groups gnomAD compares: East Asian, 89%; 35,196 homozygotes.

Submission:

GeneDx
Classification: Benign. Last evaluated: 2018-06-14. Review status: criteria provided, single submitter. Criteria: GeneDx Variant Classification (06012015). Collection method: clinical testing. Allele origin: germline. Affected: yes.
Comment: This variant is considered likely benign or benign based on one or more of the following criteria: it is a conservative change, it occurs at a poorly conserved position in the protein, it is predicted to be benign by multiple in silico algorithms, and/or has population frequency not consistent with disease.

NM_017617.5(NOTCH1):c.3171+220A>G

Gene: NOTCH1 (notch receptor 1; minus strand). Cytogenetic location: 9q34.3.
Variant type: single nucleotide variant.
Coding change: c.3171+220A>G on transcript NM_017617.5 (MANE Select); 220 bases into the intron after coding-DNA position 3171, A replaced by G.
Molecular consequence: intron variant.
Genome position (GRCh38, 1-based): chr9:136,508,650, T>C on the plus strand (A>G on the coding strand, the complement: NOTCH1 is on the minus strand). VCF-style: chr9-136508650-T-C. GRCh37 (hg19) VCF-style: chr9-139403102-T-C.
Identifiers: ClinVar variation 678556 (VCV000678556.1), dbSNP rs3812605, ClinGen allele CA13041482.